The following is an entry in ClinVar:

ClinVar aggregate classification (germline): Uncertain significance (1 of 4 stars; one submission).

Allele frequency attached by ClinVar (database versions not stated): gnomAD exomes below 0.00001.
gnomAD v4.1: 1 of 1,614,142 alleles (0.000062%); highest among the groups gnomAD compares: South Asian, 0.0011%; no homozygotes.

Submission:

Labcorp Genetics (formerly Invitae), Labcorp
Classification: Uncertain significance. Last evaluated: 2026-01-26. Review status: criteria provided, single submitter. Criteria: Invitae Variant Classification Sherloc (09022015). Collection method: clinical testing. Allele origin: germline.
Comment: This sequence change replaces asparagine, which is neutral and polar, with aspartic acid, which is acidic and polar, at codon 2098 of the POLE protein (p.Asn2098Asp). This variant is not present in population databases (gnomAD no frequency). This variant has not been reported in the literature in individuals affected with POLE-related conditions. ClinVar contains an entry for this variant (Variation ID: 1003264). Invitae Evidence Modeling of protein sequence and biophysical properties (such as structural, functional, and spatial information, amino acid conservation, physicochemical variation, residue mobility, and thermodynamic stability) indicates that this missense variant is not expected to disrupt POLE protein function with a negative predictive value of 80%. In summary, the available evidence is currently insufficient to determine the role of this variant in disease. Therefore, it has been classified as a Variant of Uncertain Significance.

NM_006231.4(POLE):c.6292A>G (p.Asn2098Asp)

Gene: POLE (DNA polymerase epsilon, catalytic subunit; minus strand). Cytogenetic location: 12q24.33.
Variant type: single nucleotide variant.
Coding change: c.6292A>G on transcript NM_006231.4 (MANE Select); coding-DNA position 6292, A replaced by G.
Protein change: p.Asn2098Asp; replaces asparagine 2098 with aspartic acid.
Molecular consequence: missense variant.
Genome position (GRCh38, 1-based): chr12:132,632,353, T>C on the plus strand (A>G on the coding strand, the complement: POLE is on the minus strand). VCF-style: chr12-132632353-T-C. GRCh37 (hg19) VCF-style: chr12-133208939-T-C.
Other names: short protein forms N2098D.
Identifiers: ClinVar variation 1003264 (VCV001003264.9), dbSNP rs2041949655, ClinGen allele CA387369352.